The following is an entry in ClinVar:

NM_006302.3(MOGS):c.208C>G (p.Arg70Gly)

Genes: MOGS (mannosyl-oligosaccharide glucosidase; minus strand), LOC129934128 (ATAC-STARR-seq lymphoblastoid silent region 11664; plus strand). Cytogenetic location: 2p13.1.
Variant type: single nucleotide variant.
Coding change: c.208C>G on transcript NM_006302.3 (MANE Select); coding-DNA position 208, C replaced by G.
Protein change: p.Arg70Gly; replaces arginine 70 with glycine.
Molecular consequence: missense variant. On other transcripts: intron variant (1).
Genome position (GRCh38, 1-based): chr2:74,465,040, G>C on the plus strand (C>G on the coding strand, the complement: MOGS is on the minus strand). VCF-style: chr2-74465040-G-C. GRCh37 (hg19) VCF-style: chr2-74692167-G-C.
Other names: c.-58-53C>G (NM_001146158.2); short protein forms R70G.
Identifiers: ClinVar variation 2159362 (VCV002159362.2), dbSNP rs1022588391, ClinGen allele CA50477069.
Genomic context (GRCh38, chr2:74,465,040, plus strand): 5'-CGGCGGGGCTGGAGGAGTCGGCAGGCAACACAGGAGGCGCGGAGTGCAGCGTGACCGCCC[G>C]CCGCGCACGGTACCACGCCAGCACCCAGCGCCCCGACATACCCAGGGCCAAAGACAGGAC-3'
Protein context (NP_006293.2, residues 60-80): RWVLAWYRAR[Arg70Gly]AVTLHSAPPV

ClinVar aggregate classification (germline): Uncertain significance (1 of 4 stars; one submission).

Conditions:
MOGS-congenital disorder of glycosylation. Also called: GLUCOSIDASE I DEFICIENCY; MOGS-CDG; CDG IIb; CDG 2B. Identifiers: Orphanet 79330, MedGen C1853736, MONDO:0011629, OMIM 606056.

Allele frequency attached by ClinVar (database versions not stated): TOPMed 0.00001.

Submission:

Labcorp Genetics (formerly Invitae), Labcorp
Classification: Uncertain significance for MOGS-congenital disorder of glycosylation. Last evaluated: 2023-11-27. Review status: criteria provided, single submitter. Criteria: Invitae Variant Classification Sherloc (09022015). Collection method: clinical testing. Allele origin: germline.
Comment: This sequence change replaces arginine, which is basic and polar, with glycine, which is neutral and non-polar, at codon 70 of the MOGS protein (p.Arg70Gly). This variant is present in population databases (no rsID available, gnomAD 0.04%). This variant has not been reported in the literature in individuals affected with MOGS-related conditions. ClinVar contains an entry for this variant (Variation ID: 2159362). An algorithm developed to predict the effect of missense changes on protein structure and function (PolyPhen-2) suggests that this variant is likely to be disruptive. In summary, the available evidence is currently insufficient to determine the role of this variant in disease. Therefore, it has been classified as a Variant of Uncertain Significance.